The following is an entry in ClinVar:

ClinVar aggregate classification (germline): Uncertain significance (1 of 4 stars; one submission).

Conditions:
Singleton-Merten syndrome 1 (SGMRT1). Also called: Widened medullary cavities of bone, aortic calcification, abnormal dentition, and muscular weakness; Syndrome of widened medullary cavities of the metacarpals and phalanges, aortic calcification and abnormal dentition. Identifiers: Orphanet 85191, MedGen C4225427, MONDO:0024535, OMIM 182250.
Aicardi-Goutieres syndrome 7 (AGS7). Identifiers: Orphanet 51, MedGen C3888244, MONDO:0014367, OMIM 615846.

Submission:

Labcorp Genetics (formerly Invitae), Labcorp
Classification: Uncertain significance for Aicardi-Goutieres syndrome 7; Singleton-Merten syndrome 1. Last evaluated: 2022-07-19. Review status: criteria provided, single submitter. Criteria: Invitae Variant Classification Sherloc (09022015). Collection method: clinical testing. Allele origin: germline.
Comment: This variant is not present in population databases (gnomAD no frequency). This sequence change replaces glutamic acid, which is acidic and polar, with aspartic acid, which is acidic and polar, at codon 67 of the IFIH1 protein (p.Glu67Asp). This variant has not been reported in the literature in individuals affected with IFIH1-related conditions. In summary, the available evidence is currently insufficient to determine the role of this variant in disease. Therefore, it has been classified as a Variant of Uncertain Significance. Algorithms developed to predict the effect of missense changes on protein structure and function (SIFT, PolyPhen-2, Align-GVGD) all suggest that this variant is likely to be tolerated. ClinVar contains an entry for this variant (Variation ID: 1375981).

NM_022168.4(IFIH1):c.201G>T (p.Glu67Asp)

Gene: IFIH1 (interferon induced with helicase C domain 1; minus strand). Cytogenetic location: 2q24.2.
Variant type: single nucleotide variant.
Coding change: c.201G>T on transcript NM_022168.4 (MANE Select); coding-DNA position 201, G replaced by T.
Protein change: p.Glu67Asp; replaces glutamic acid 67 with aspartic acid.
Molecular consequence: missense variant.
Genome position (GRCh38, 1-based): chr2:162,318,107, C>A on the plus strand (G>T on the coding strand, the complement: IFIH1 is on the minus strand). VCF-style: chr2-162318107-C-A. GRCh37 (hg19) VCF-style: chr2-163174617-C-A.
Other names: short protein forms E67D.
Identifiers: ClinVar variation 1375981 (VCV001375981.8), dbSNP rs2105238393, ClinGen allele CA349013906.